The following is an entry in ClinVar:

NM_000059.4(BRCA2):c.3071T>C (p.Ile1024Thr)

Gene: BRCA2 (BRCA2 DNA repair associated; plus strand). Cytogenetic location: 13q13.1.
Variant type: single nucleotide variant.
Coding change: c.3071T>C on transcript NM_000059.4 (MANE Select); coding-DNA position 3071, T replaced by C.
Protein change: p.Ile1024Thr; replaces isoleucine 1024 with threonine.
Molecular consequence: missense variant.
Genome position (GRCh38, 1-based): chr13:32,337,426, T>C. VCF-style: chr13-32337426-T-C. GRCh37 (hg19) VCF-style: chr13-32911563-T-C.
Other names: short protein forms I1024T.
Identifiers: ClinVar variation 188062 (VCV000188062.29), dbSNP rs764921920, ClinGen allele CA017158.

ClinVar aggregate classification (germline): Conflicting classifications of pathogenicity. Review status: criteria provided, conflicting classifications (1 of 4 stars). 9 submissions from 9 submitters: Uncertain significance (6); Likely benign (1). 2 of the submissions do not count toward it. Last evaluated 2025-10-26.

Conditions:
BRCA2-related cancer predisposition. Identifiers: MedGen CN377758, MONDO:0700269.
Hereditary breast ovarian cancer syndrome. Also called: Hereditary breast and ovarian cancer; Hereditary breast and ovarian cancer syndrome; Breast and ovarian cancer; Hereditary breast and ovarian cancer syndrome (HBOC); Hereditary breast and/or ovarian cancer syndrome; BRCA1- and BRCA2-Associated Hereditary Breast and Ovarian Cancer. Identifiers: Orphanet 145, MedGen C0677776, MeSH D061325, MONDO:0003582. Disease mechanism: loss of function.
BRCA2-related disorder. Also called: BRCA2-related condition; BRCA2-related disorders. Identifiers: MedGen CN239275.
Breast-ovarian cancer, familial, susceptibility to, 2 (BROVCA2). Also called: BRCA2 Hereditary Breast and Ovarian Cancer. Identifiers: Orphanet 145, MedGen C2675520, MONDO:0012933, OMIM 612555. Disease mechanism: loss of function.
Hereditary cancer-predisposing syndrome. Also called: Hereditary Cancer Syndrome; Neoplastic Syndromes, Hereditary; Tumor predisposition; Hereditary neoplastic syndrome. Identifiers: Orphanet 140162, MedGen C0027672, MeSH D009386, MONDO:0015356.

Allele frequency attached by ClinVar (database versions not stated): TOPMed 0.00001.

Submissions (9):

Labcorp Genetics (formerly Invitae), Labcorp
Classification: Uncertain significance for Hereditary breast ovarian cancer syndrome. Last evaluated: 2025-10-26. Review status: criteria provided, single submitter. Criteria: Invitae Variant Classification Sherloc (09022015). Collection method: clinical testing. Allele origin: germline.
Comment: This sequence change replaces isoleucine, which is neutral and non-polar, with threonine, which is neutral and polar, at codon 1024 of the BRCA2 protein (p.Ile1024Thr). This variant is present in population databases (rs764921920, gnomAD 0.0009%). This variant has not been reported in the literature in individuals affected with BRCA2-related conditions. ClinVar contains an entry for this variant (Variation ID: 188062). Invitae Evidence Modeling of protein sequence and biophysical properties (such as structural, functional, and spatial information, amino acid conservation, physicochemical variation, residue mobility, and thermodynamic stability) indicates that this missense variant is not expected to disrupt BRCA2 protein function with a negative predictive value of 95%. In summary, the available evidence is currently insufficient to determine the role of this variant in disease. Therefore, it has been classified as a Variant of Uncertain Significance.

Women's Health and Genetics/Laboratory Corporation of America, LabCorp
Classification: Uncertain significance. Last evaluated: 2025-06-09. Review status: criteria provided, single submitter. Criteria: LabCorp Variant Classification Summary - May 2015. Collection method: clinical testing. Allele origin: germline.
Comment: Variant summary: BRCA2 c.3071T>C (p.Ile1024Thr) results in a non-conservative amino acid change located in the BRCA2 repeat region (IPR002093) of the encoded protein sequence. Algorithms developed to predict the effect of missense changes on protein structure and function are either unavailable or do not agree on the potential impact of this missense change. The variant allele was found at a frequency of 4e-06 in 250104 control chromosomes (gnomAD). The available data on variant occurrences in the general population are insufficient to allow any conclusion about variant significance. The variant, c.3071T>C, has been reported in a large study evaluating breast cancer cases and controls in the Breast Cancer Association Consortium (BCAC) in 1/60466 cases and in none of the 53461 controls (Dorling_2021, reported through LOVD). These report(s) do not provide unequivocal conclusions about association of the variant with Hereditary Breast And Ovarian Cancer Syndrome. To our knowledge, no experimental evidence demonstrating an impact on protein function has been reported. The following publication have been ascertained in the context of this evaluation (PMID: 33471991). ClinVar contains an entry for this variant (Variation ID: 188062). Based on the evidence outlined above, the variant was classified as uncertain significance.

Ambry Genetics
Classification: Uncertain significance for Hereditary cancer-predisposing syndrome. Last evaluated: 2025-03-19. Review status: criteria provided, single submitter. Criteria: Ambry Variant Classification Scheme 2023. Collection method: clinical testing. Allele origin: germline.
Comment: The p.I1024T variant (also known as c.3071T>C), located in coding exon 10 of the BRCA2 gene, results from a T to C substitution at nucleotide position 3071. The isoleucine at codon 1024 is replaced by threonine, an amino acid with similar properties. This amino acid position is not well conserved in available vertebrate species. In addition, the in silico prediction for this alteration is inconclusive. Based on the available evidence, the clinical significance of this variant remains unclear.

All of Us Research Program, National Institutes of Health
Classification: Uncertain significance for BRCA2-related cancer predisposition. Last evaluated: 2024-08-06. Review status: criteria provided, single submitter. Criteria: ACMG Guidelines, 2015. Collection method: clinical testing. Allele origin: germline. Inheritance: Autosomal dominant inheritance. Observed: 5 variant alleles, 5 heterozygotes.
Comment: This missense variant replaces isoleucine with threonine at codon 1024 of the BRCA2 protein. Computational prediction is inconclusive regarding the impact of this variant on protein structure and function. To our knowledge, functional studies have not been reported for this variant. This variant has been reported in an individual affected with breast cancer (PMID: 33471991; Leiden Open Variation Database DB-ID BRCA2_008025). This variant has been identified in 1/250104 chromosomes in the general population by the Genome Aggregation Database (gnomAD). The available evidence is insufficient to determine the role of this variant in disease conclusively. Therefore, this variant is classified as a Variant of Uncertain Significance.

This study involves interpretation of variants in research participants for the purpose of population health screening. Participant phenotype was not available at the time of variant classification. Additional details can be found in publication PMID: 35346344, PMCID: PMC8962531

Color Diagnostics, LLC DBA Color Health
Classification: Uncertain significance for Hereditary cancer-predisposing syndrome. Last evaluated: 2024-02-29. Review status: criteria provided, single submitter. Criteria: ACMG Guidelines, 2015. Collection method: clinical testing. Allele origin: germline.
Comment: This missense variant replaces isoleucine with threonine at codon 1024 of the BRCA2 protein. Computational prediction is inconclusive regarding the impact of this variant on protein structure and function. To our knowledge, functional studies have not been reported for this variant. This variant has been reported in an individual affected with breast cancer (PMID: 33471991; Leiden Open Variation Database DB-ID BRCA2_008025). This variant has been identified in 1/250104 chromosomes in the general population by the Genome Aggregation Database (gnomAD). The available evidence is insufficient to determine the role of this variant in disease conclusively. Therefore, this variant is classified as a Variant of Uncertain Significance.

University of Washington Department of Laboratory Medicine, University of Washington
Classification: Likely benign for Hereditary cancer-predisposing syndrome. Last evaluated: 2023-03-23. Review status: criteria provided, single submitter. Criteria: Dines et al. (Genet Med. 2020). Collection method: curation. Allele origin: germline.
Comment: Missense variant in a coldspot region where missense variants are very unlikely to be pathogenic (PMID:31911673).

BRCA2 exon 11 coldspot. Reclassification based on statistical prior probability.

GeneDx
Classification: Uncertain significance. Last evaluated: 2022-05-25. Review status: criteria provided, single submitter. Criteria: GeneDx Variant Classification Process June 2021. Collection method: clinical testing. Allele origin: germline. Affected: yes.
Comment: Not observed at significant frequency in large population cohorts (gnomAD); In silico analysis supports that this missense variant has a deleterious effect on protein structure/function; Has not been previously published as pathogenic or benign to our knowledge; Also known as 3299T>C; This variant is associated with the following publications: (PMID: 9002670, 22193408)

PreventionGenetics, part of Exact Sciences
Classification: Uncertain significance for BRCA2-related condition. Last evaluated: 2024-09-26. Review status: no assertion criteria provided. Collection method: clinical testing. Allele origin: germline. Not counted in ClinVar's aggregate classification.
Comment: The BRCA2 c.3071T>C variant is predicted to result in the amino acid substitution p.Ile1024Thr. To our knowledge, this variant has not been reported in the literature. This variant is reported in 0.00088% of alleles in individuals of European (Non-Finnish) descent in gnomAD and is interpreted as uncertain by multiple laboratories in ClinVar. At this time, the clinical significance of this variant is uncertain due to the absence of conclusive functional and genetic evidence.

Counsyl
Classification: Uncertain significance for Breast-ovarian cancer, familial, susceptibility to, 2. Last evaluated: 2017-10-19. Review status: no assertion criteria provided. Collection method: clinical testing. Allele origin: unknown. Not counted in ClinVar's aggregate classification.

Literature cited by the submitters: PubMed 33471991 (cited by 3 submitters).